The following is an entry in ClinVar:

NM_012434.5(SLC17A5):c.95-1G>C

Gene: SLC17A5 (solute carrier family 17 member 5; minus strand). Cytogenetic location: 6q13.
Variant type: single nucleotide variant.
Coding change: c.95-1G>C on transcript NM_012434.5 (MANE Select); the canonical splice acceptor site of the intron before coding-DNA position 95, G replaced by C.
Molecular consequence: splice acceptor variant. On other transcripts: intron variant (2).
Genome position (GRCh38, 1-based): chr6:73,644,604, C>G on the plus strand (G>C on the coding strand, the complement: SLC17A5 is on the minus strand). VCF-style: chr6-73644604-C-G. GRCh37 (hg19) VCF-style: chr6-74354327-C-G.
Other names: c.61-2680G>C (NM_001382636.1, NM_001382629.1); c.95-1G>C (NM_001382632.1, NM_001382635.1, NM_001382634.1 and 2 more transcripts); c.116-1G>C (NM_001382631.1).
Identifiers: ClinVar variation 56559 (VCV000056559.3), dbSNP rs386833995, ClinGen allele CA263932.

ClinVar aggregate classification (germline): Pathogenic. Review status: criteria provided, single submitter (1 of 4 stars). 2 submissions from 2 submitters: Pathogenic (1). 1 of the submissions does not count toward it. Last evaluated 2025-06-09.

Conditions:
Salla disease (SD). Also called: Less Severe FSASD (Salla Disease); Sialuria, Finnish type; N-acetylneuraminic acid (NANA) storage disease (NSD); Infantile sialic acid storage disorder (ISSD). Identifiers: Orphanet 309334, Orphanet 834, MedGen C1096903, MONDO:0011449, OMIM 604369.

Allele frequency attached by ClinVar (database versions not stated): ExAC 0.00001; gnomAD exomes 0.00001.
gnomAD v4.1: 3 of 1,612,576 alleles (0.00019%); highest among the groups gnomAD compares: Non-Finnish European, 0.00025%; no homozygotes.

Submissions (2):

Natera, Inc.
Classification: Pathogenic for Salla disease. Last evaluated: 2025-06-09. Review status: criteria provided, single submitter. Criteria: Natera Variant Classification Schema (03/2026). Collection method: clinical testing. Allele origin: germline.
Comment: The c.95-1G>C variant in SLC17A5 is a canonical splice acceptor site variant predicted to affect pre-mRNA splicing, which may result in an abnormal transcript and altered protein product. This variant is expected to result in nonsense mediated decay, truncation, or a dysfunctional protein product. This variant is rare in the general population with a frequency below the threshold expected for the associated phenotype(s). This variant has been observed in one or more individuals affected with the associated recessive disease, as either homozygous or compound heterozygous with a second variant (PMID: 10947946). Functional studies show that this variant may disrupt protein function (PMID: 10947946). Given the available evidence, this variant is classified as Pathogenic.

Juha Muilu Group; Institute for Molecular Medicine Finland (FIMM)
Classification: Likely pathogenic for Salla disease. Review status: no assertion criteria provided. Collection method: not provided. Allele origin: unknown. Not counted in ClinVar's aggregate classification.
Comment: FinDis database variant: This variant was not found or characterized by our laboratory, data were collected from public sources: see reference
ClinVar note: Converted during submission from probable-pathogenic to Likely pathogenic.

Literature cited by the submitters: PubMed 10947946 (cited by Natera, Inc.).